The following is an entry in ClinVar:

NM_004006.3(DMD):c.5363C>A (p.Ser1788Ter)

Gene: DMD (dystrophin; minus strand). Cytogenetic location: Xp21.1.
Variant type: single nucleotide variant.
Coding change: c.5363C>A on transcript NM_004006.3 (MANE Select); coding-DNA position 5363, C replaced by A.
Protein change: p.Ser1788Ter; replaces serine 1788 with a stop codon.
Molecular consequence: nonsense.
Genome position (GRCh38, 1-based): chrX:32,348,491, G>T on the plus strand (C>A on the coding strand, the complement: DMD is on the minus strand). VCF-style: chrX-32348491-G-T. GRCh37 (hg19) VCF-style: chrX-32366608-G-T.
Other names: c.5339C>A, p.Ser1780Ter (NM_000109.4); c.5351C>A, p.Ser1784Ter (NM_004009.3); c.4994C>A, p.Ser1665Ter (NM_004010.3); c.1340C>A, p.Ser447Ter (NM_004011.4); c.1331C>A, p.Ser444Ter (NM_004012.4); short protein forms S1665*, S1780*, S1784*, S1788*, S444*, S447*.
Identifiers: ClinVar variation 1526196 (VCV001526196.1), dbSNP rs199774535, ClinGen allele CA412667998.
Genomic context (GRCh38, chrX:32,348,491, plus strand): 5'-TTCAGATTCACCCCCTGCTGAATTTCAGCCTCCAGTGGTTCAAGCAATTTTTGTATATCT[G>T]AGTTAAACTGCTCCAATTCCTTCAAAGGAATGGAGGCCTAAAAAAAAAGATAGTGCTACT-3'

ClinVar aggregate classification (germline): Likely pathogenic (1 of 4 stars; one submission).

Conditions:
Duchenne muscular dystrophy (DMD). Also called: MUSCULAR DYSTROPHY, PSEUDOHYPERTROPHIC PROGRESSIVE, DUCHENNE TYPE; Duchenne Muscular Dystrophy (DMD). Identifiers: Orphanet 98896, MedGen C0013264, MONDO:0010679, OMIM 310200.

Submission:

3billion
Classification: Likely pathogenic for Duchenne muscular dystrophy. Last evaluated: 2022-03-22. Review status: criteria provided, single submitter. Criteria: ACMG Guidelines, 2015. Collection method: clinical testing. Allele origin: germline. Affected: yes. Observed: 1 hemizygote.
Comment: Stop-gained (nonsense): predicted to result in a loss or disruption of normal protein function through nonsense-mediated decay (NMD) or protein truncation. Multiple pathogenic variants are reported downstream of the variant.It is not observed in the gnomAD v2.1.1 dataset. Therefore, this variant is classified as likely pathogenic according to the recommendation of ACMG/AMP guideline.